The following is an entry in ClinVar:

ClinVar aggregate classification (germline): Uncertain significance (1 of 4 stars; one submission).

Conditions:
Inborn genetic diseases. Identifiers: MedGen C0950123, MeSH D030342.

gnomAD v4.1: 1 of 1,613,152 alleles (0.000062%); highest among the groups gnomAD compares: Non-Finnish European, 0.000085%; no homozygotes.

Submission:

Ambry Genetics
Classification: Uncertain significance for Inborn genetic diseases. Last evaluated: 2026-05-14. Review status: criteria provided, single submitter. Criteria: Ambry Variant Classification Scheme 2023. Collection method: clinical testing. Allele origin: germline.
Comment: The p.A876V variant (also known as c.2627C>T), located in coding exon 11 of the MECOM gene, results from a C to T substitution at nucleotide position 2627. The alanine at codon 876 is replaced by valine, an amino acid with similar properties. This amino acid position is conserved. In addition, the in silico prediction for this alteration is inconclusive. Based on the available evidence, the clinical significance of this variant remains unclear.

NM_004991.4(MECOM):c.2627C>T (p.Ala876Val)

Gene: MECOM (MDS1 and EVI1 complex locus; minus strand). Cytogenetic location: 3q26.2.
Variant type: single nucleotide variant.
Coding change: c.2627C>T on transcript NM_004991.4 (MANE Select); coding-DNA position 2627, C replaced by T.
Protein change: p.Ala876Val; replaces alanine 876 with valine.
Molecular consequence: missense variant.
Genome position (GRCh38, 1-based): chr3:169,102,204, G>A on the plus strand (C>T on the coding strand, the complement: MECOM is on the minus strand). VCF-style: chr3-169102204-G-A. GRCh37 (hg19) VCF-style: chr3-168819992-G-A.
Other names: c.2258C>T, p.Ala753Val (NM_001105077.4); c.2063C>T, p.Ala688Val (NM_001105078.4, NM_001205194.2, NM_001366469.2 and 1 more transcripts); c.2039C>T, p.Ala680Val (NM_001163999.2, NM_001366470.2); c.2036C>T, p.Ala679Val (NM_001164000.2, NM_001366471.2, NM_001366472.2); c.2600C>T, p.Ala867Val (NM_001366466.2); c.2066C>T, p.Ala689Val (NM_001366467.2, NM_001366468.2); c.1628C>T, p.Ala543Val (NM_001366473.2); c.1064C>T, p.Ala355Val (NM_001366474.2); short protein forms A355V, A543V, A679V, A680V, A688V, A689V, A753V, A867V.
Identifiers: ClinVar variation 4859774 (VCV004859774.1).
Genomic context (GRCh38, chr3:169,102,204, plus strand): 5'-ACTGACTGTAAGAGCTCACTGGCCTCAGGTTTCAGGGCACTGAAGCTCTCTAGCTTTTCT[G>A]CCATGTTTTCAATAGCTGACATCTGAAAGGTAAAAGCACAAGACCATGAAGCGTTTGGCA-3'
Protein context (NP_004982.2, residues 866-886): RTWMSAIENM[Ala876Val]EKLESFSALK